The following is an entry in ClinVar:

ClinVar aggregate classification (germline): Conflicting classifications of pathogenicity. Review status: criteria provided, conflicting classifications (1 of 4 stars). 2 submissions from 2 submitters: Uncertain significance (1); Likely benign (1). Last evaluated 2026-04-30.

Conditions:
Inborn genetic diseases. Identifiers: MedGen C0950123, MeSH D030342.

Allele frequency attached by ClinVar (database versions not stated): ExAC 0.00001; gnomAD 0.00001; TOPMed 0.00004; gnomAD exomes 0.00001.
gnomAD v4.1: 8 of 1,207,078 alleles (0.00066%); highest among the groups gnomAD compares: Admixed American, 0.011%; no homozygotes.

Submissions (2):

Ambry Genetics
Classification: Likely benign for Inborn genetic diseases. Last evaluated: 2026-04-30. Review status: criteria provided, single submitter. Criteria: Ambry Variant Classification Scheme 2023. Collection method: clinical testing. Allele origin: germline.

Labcorp Genetics (formerly Invitae), Labcorp
Classification: Uncertain significance. Last evaluated: 2024-05-16. Review status: criteria provided, single submitter. Criteria: Invitae Variant Classification Sherloc (09022015). Collection method: clinical testing. Allele origin: germline.
Comment: This sequence change replaces arginine, which is basic and polar, with glutamine, which is neutral and polar, at codon 438 of the CFP protein (p.Arg438Gln). This variant is present in population databases (rs762270639, gnomAD 0.02%). This variant has not been reported in the literature in individuals affected with CFP-related conditions. Advanced modeling of protein sequence and biophysical properties (such as structural, functional, and spatial information, amino acid conservation, physicochemical variation, residue mobility, and thermodynamic stability) performed at Invitae indicates that this missense variant is not expected to disrupt CFP protein function with a negative predictive value of 80%. In summary, the available evidence is currently insufficient to determine the role of this variant in disease. Therefore, it has been classified as a Variant of Uncertain Significance.

NM_001145252.3(CFP):c.1313G>A (p.Arg438Gln)

Gene: CFP (complement factor properdin; minus strand). Cytogenetic location: Xp11.23.
Variant type: single nucleotide variant.
Coding change: c.1313G>A on transcript NM_001145252.3 (MANE Select); coding-DNA position 1313, G replaced by A.
Protein change: p.Arg438Gln; replaces arginine 438 with glutamine.
Molecular consequence: missense variant.
Genome position (GRCh38, 1-based): chrX:47,624,372, C>T on the plus strand (G>A on the coding strand, the complement: CFP is on the minus strand). VCF-style: chrX-47624372-C-T. GRCh37 (hg19) VCF-style: chrX-47483771-C-T.
Other names: c.1313G>A, p.Arg438Gln (NM_002621.2); short protein forms R438Q.
Identifiers: ClinVar variation 2723390 (VCV002723390.4), dbSNP rs762270639, ClinGen allele CA10398814.